The following is an entry in ClinVar:

ClinVar aggregate classification (germline): Uncertain significance. Review status: criteria provided, multiple submitters, no conflicts (2 of 4 stars). 2 submissions from 2 submitters: Uncertain significance (2). Last evaluated 2024-11-22.

Conditions:
Developmental and epileptic encephalopathy, 21 (DEE21). Also called: Early infantile epileptic encephalopathy 21. Identifiers: Orphanet 442835, MedGen C4014430, MONDO:0014360, OMIM 615833.

Allele frequency attached by ClinVar (database versions not stated): gnomAD exomes below 0.00001; TOPMed 0.00002; gnomAD 0.00006 and 0.00007.
gnomAD v4.1: 26 of 1,614,052 alleles (0.0016%); highest among the groups gnomAD compares: Admixed American, 0.017%; 1 homozygote.

Submissions (2):

Blueprint Genetics
Classification: Uncertain significance. Last evaluated: 2024-11-22. Review status: criteria provided, single submitter. Criteria: ACMG Guidelines, 2015. Collection method: clinical testing. Allele origin: germline.

Labcorp Genetics (formerly Invitae), Labcorp
Classification: Uncertain significance for Developmental and epileptic encephalopathy, 21. Last evaluated: 2022-09-13. Review status: criteria provided, single submitter. Criteria: Invitae Variant Classification Sherloc (09022015). Collection method: clinical testing. Allele origin: germline.
Comment: This sequence change replaces glycine, which is neutral and non-polar, with alanine, which is neutral and non-polar, at codon 45 of the NECAP1 protein (p.Gly45Ala). This variant is not present in population databases (gnomAD no frequency). This variant has not been reported in the literature in individuals affected with NECAP1-related conditions. ClinVar contains an entry for this variant (Variation ID: 541849). Algorithms developed to predict the effect of missense changes on protein structure and function (SIFT, PolyPhen-2, Align-GVGD) all suggest that this variant is likely to be disruptive. In summary, the available evidence is currently insufficient to determine the role of this variant in disease. Therefore, it has been classified as a Variant of Uncertain Significance.

NM_015509.4(NECAP1):c.134G>C (p.Gly45Ala)

Gene: NECAP1 (NECAP endocytosis associated 1; plus strand). Cytogenetic location: 12p13.31.
Variant type: single nucleotide variant.
Coding change: c.134G>C on transcript NM_015509.4 (MANE Select); coding-DNA position 134, G replaced by C.
Protein change: p.Gly45Ala; replaces glycine 45 with alanine.
Molecular consequence: missense variant. On other transcripts: non-coding transcript variant (1).
Genome position (GRCh38, 1-based): chr12:8,089,974, G>C. VCF-style: chr12-8089974-G-C. GRCh37 (hg19) VCF-style: chr12-8242570-G-C.
Other names: short protein forms G45A.
Identifiers: ClinVar variation 541849 (VCV000541849.6), dbSNP rs973563199, ClinGen allele CA232560011.